The following is an entry in ClinVar:

NM_000334.4(SCN4A):c.863A>G (p.Asn288Ser)

Gene: SCN4A (sodium voltage-gated channel alpha subunit 4; minus strand). Cytogenetic location: 17q23.3.
Variant type: single nucleotide variant.
Coding change: c.863A>G on transcript NM_000334.4 (MANE Select); coding-DNA position 863, A replaced by G.
Protein change: p.Asn288Ser; replaces asparagine 288 with serine.
Molecular consequence: missense variant.
Genome position (GRCh38, 1-based): chr17:63,968,196, T>C on the plus strand (A>G on the coding strand, the complement: SCN4A is on the minus strand). VCF-style: chr17-63968196-T-C. GRCh37 (hg19) VCF-style: chr17-62045556-T-C.
Other names: short protein forms N288S.
Identifiers: ClinVar variation 946808 (VCV000946808.9), dbSNP rs771965654, ClinGen allele CA8710019.
Genomic context (GRCh38, chr17:63,968,196, plus strand): 5'-CCATACCATGTGTCATTGCCGTACCACGTGTCATTGCTGTACCACGTGGTGTTGGTGTCG[T>C]TGAACGGCGGGGGCCAGCGCACACACTTCTGCCTCAGGTTTCCCATGAAGAGCTGCAGTC-3'
Protein context (NP_000325.4, residues 278-298): QKCVRWPPPF[Asn288Ser]DTNTTWYSND

ClinVar aggregate classification (germline): Uncertain significance. Review status: criteria provided, multiple submitters, no conflicts (2 of 4 stars). 2 submissions from 2 submitters: Uncertain significance (2). Last evaluated 2026-01-21.

Conditions:
Potassium-aggravated myotonia. Also called: Myotonia congenita, atypical, acetazolamide-responsive; MYOTONIA CONGENITA, ACETAZOLAMIDE-RESPONSIVE; MYOTONIA CONGENITA, ATYPICAL; SODIUM CHANNEL MUSCLE DISEASE. Identifiers: Orphanet 612, Orphanet 99734, Orphanet 99735, Orphanet 99736, MedGen C2931826, MONDO:0018959, OMIM 608390.
Congenital myasthenic syndrome 16. Identifiers: Orphanet 590, MedGen C3280112, MONDO:0013620, OMIM 614198.
Paramyotonia congenita of Von Eulenburg. Also called: Paramyotonia Congenita; PARALYSIS PERIODICA PARAMYOTONICA; Eulenburg disease; Myotonia congenita intermittens; Von Eulenburg paramyotonia congenita. Identifiers: Orphanet 684, MedGen C0221055, MONDO:0008195, OMIM 168300. Disease mechanism: loss of function.
Hypokalemic periodic paralysis, type 2 (HOKPP2). Identifiers: Orphanet 681, MedGen C2750061, MONDO:0013234, OMIM 613345.
Hypokalemic periodic paralysis, type 1. Also called: Hypokalemic Periodic Paralysis Type 1 (AD); HypoPP. Identifiers: Orphanet 681, MedGen C3714580, MONDO:0042979, OMIM 170400.
Hyperkalemic periodic paralysis. Also called: Familial hyperkalemic periodic paralysis; Gamstorp disease. Identifiers: Orphanet 682, MedGen C0238357, MONDO:0008224, OMIM 170500, HP:0007215.

Allele frequency attached by ClinVar (database versions not stated): gnomAD 0.00002; TOPMed 0.00001; gnomAD exomes below 0.00001; ExAC 0.00001.

Submissions (2):

Labcorp Genetics (formerly Invitae), Labcorp
Classification: Uncertain significance for Hyperkalemic periodic paralysis. Last evaluated: 2026-01-21. Review status: criteria provided, single submitter. Criteria: Invitae Variant Classification Sherloc (09022015). Collection method: clinical testing. Allele origin: germline.
Comment: This sequence change replaces asparagine, which is neutral and polar, with serine, which is neutral and polar, at codon 288 of the SCN4A protein (p.Asn288Ser). This variant is not present in population databases (gnomAD no frequency). This variant has not been reported in the literature in individuals affected with SCN4A-related conditions. ClinVar contains an entry for this variant (Variation ID: 946808). Invitae Evidence Modeling of protein sequence and biophysical properties (such as structural, functional, and spatial information, amino acid conservation, physicochemical variation, residue mobility, and thermodynamic stability) indicates that this missense variant is not expected to disrupt SCN4A protein function with a negative predictive value of 95%. In summary, the available evidence is currently insufficient to determine the role of this variant in disease. Therefore, it has been classified as a Variant of Uncertain Significance.

Fulgent Genetics
Classification: Uncertain significance for Paramyotonia congenita of Von Eulenburg; Hypokalemic periodic paralysis, type 1; Hyperkalemic periodic paralysis; Potassium-aggravated myotonia; Hypokalemic periodic paralysis, type 2; Congenital myasthenic syndrome 16. Last evaluated: 2021-07-02. Review status: criteria provided, single submitter. Criteria: ACMG Guidelines, 2015. Collection method: clinical testing. Allele origin: unknown.